The following is an entry in ClinVar:

NM_001040458.3(ERAP1):c.1852G>T (p.Asp618Tyr)

Gene: ERAP1 (endoplasmic reticulum aminopeptidase 1; minus strand). Cytogenetic location: 5q15.
Variant type: single nucleotide variant.
Coding change: c.1852G>T on transcript NM_001040458.3 (MANE Select); coding-DNA position 1852, G replaced by T.
Protein change: p.Asp618Tyr; replaces aspartic acid 618 with tyrosine.
Molecular consequence: missense variant.
Genome position (GRCh38, 1-based): chr5:96,785,879, C>A on the plus strand (G>T on the coding strand, the complement: ERAP1 is on the minus strand). VCF-style: chr5-96785879-C-A. GRCh37 (hg19) VCF-style: chr5-96121583-C-A.
Other names: c.1852G>T, p.Asp618Tyr (NM_001198541.3, NM_001349244.2, NM_016442.5); c.1852G>T (NM_016442.3); short protein forms D618Y.
Identifiers: ClinVar variation 2655599 (VCV002655599.25), dbSNP rs201856260, ClinGen allele CA3352131.
Genomic context (GRCh38, chr5:96,785,879, plus strand): 5'-TCGCCCGATCATTACTGCTGACTGCTGTGTGTGTTCCTTTTAAAAGGCCAGTCAAAGAGT[C>A]CCATCCATCATCCTCGTAATGCACAATGTAATAGCCATTCATGCCCACATTAAATTTGAT-3'
Protein context (NP_001035548.1, residues 608-628): YIVHYEDDGW[Asp618Tyr]SLTGLLKGTH

ClinVar aggregate classification (germline): Conflicting classifications of pathogenicity. Review status: criteria provided, conflicting classifications (1 of 4 stars). 2 submissions from 2 submitters: Uncertain significance (1); Likely benign (1). Last evaluated 2024-04-24.

Allele frequency attached by ClinVar (database versions not stated): ExAC 0.00007.
gnomAD v4.1: 225 of 1,613,982 alleles (0.014%); highest among the groups gnomAD compares: Non-Finnish European, 0.018%; no homozygotes.

Submissions (2):

Ambry Genetics
Classification: Uncertain significance. Last evaluated: 2024-04-24. Review status: criteria provided, single submitter. Criteria: Ambry Variant Classification Scheme 2023. Collection method: clinical testing. Allele origin: germline.

CeGaT Center for Human Genetics Tuebingen
Classification: Likely benign. Last evaluated: 2022-08-01. Review status: criteria provided, single submitter. Criteria: CeGaT Center For Human Genetics Tuebingen Variant Classification Criteria Version 2. Collection method: clinical testing. Allele origin: germline. Affected: yes. Observed: 1 variant allele.
Comment: ERAP1: BP4